The following is an entry in ClinVar:

NM_003477.3(PDHX):c.1182+4T>A

Gene: PDHX (pyruvate dehydrogenase complex component X; plus strand). Cytogenetic location: 11p13.
Variant type: single nucleotide variant.
Coding change: c.1182+4T>A on transcript NM_003477.3 (MANE Select); 4 bases into the intron after coding-DNA position 1182, T replaced by A.
Molecular consequence: intron variant.
Genome position (GRCh38, 1-based): chr11:34,984,732, T>A. VCF-style: chr11-34984732-T-A. GRCh37 (hg19) VCF-style: chr11-35006279-T-A.
Other names: c.1002+4T>A (NM_001135024.2); c.501+4T>A (NM_001166158.2).
Identifiers: ClinVar variation 2230520 (VCV002230520.3), dbSNP rs760008299, ClinGen allele CA2580084078.
Genomic context (GRCh38, chr11:34,984,732, plus strand): 5'-CCAATCATAAAAGATGCTGCTGCTAAAGGTATCCAGGAAATTGCTGACTCTGTAAAGGTA[T>A]GTCTTAAGAAAGAGTGTGCTTTCAAAATGTTAGCATATACTTTTGGATAATTACTTTCTG-3'

ClinVar aggregate classification (germline): Uncertain significance (1 of 4 stars; one submission).

Conditions:
Inborn genetic diseases. Identifiers: MedGen C0950123, MeSH D030342.

gnomAD v4.1: 1 of 1,613,462 alleles (0.000062%); highest among the groups gnomAD compares: Non-Finnish European, 0.000085%; no homozygotes.

Submission:

Ambry Genetics
Classification: Uncertain significance for Inborn genetic diseases. Last evaluated: 2026-01-26. Review status: criteria provided, single submitter. Criteria: Ambry Variant Classification Scheme 2023. Collection method: clinical testing. Allele origin: germline.
Comment: The c.1182+4T>A intronic alteration consists of a T to A substitution 4 nucleotides after exon 9 (coding exon 9) of the PDHX gene. This variant was not reported in population-based cohorts in the Genome Aggregation Database (gnomAD). This nucleotide position is poorly conserved in available vertebrate species. In silico splice site analysis predicts that this alteration will not have any significant effect on splicing. Based on insufficient or conflicting evidence, the clinical significance of this alteration remains unclear.